The following is an entry in ClinVar:

ClinVar aggregate classification (germline): Uncertain significance. Review status: criteria provided, multiple submitters, no conflicts (2 of 4 stars). 2 submissions from 2 submitters: Uncertain significance (2). Last evaluated 2026-05-03.

Conditions:
Lymphatic malformation 6 (LMPHM6). Also called: PIEZO1-related generalized lymphatic dysplasia with non-immune hydrops fetalis; GENERALIZED LYMPHATIC DYSPLASIA OF FOTIOU; Lymphedema, hereditary, III. Identifiers: Orphanet 568062, MedGen C4225184, MONDO:0014797, OMIM 616843.

gnomAD v4.1: 74 of 1,550,274 alleles (0.0048%); highest among the groups gnomAD compares: Middle Eastern, 0.017%; no homozygotes.

Submissions (2):

Clinical Genomics Laboratory, Washington University in St. Louis
Classification: Uncertain significance for Lymphatic malformation 6. Last evaluated: 2026-05-03. Review status: criteria provided, single submitter. Criteria: ACMG Guidelines, 2015. Collection method: clinical testing. Allele origin: germline.
Comment: A PIEZO1 c.3520G>C (p.Val1174Leu) variant was identified at a heterozygous allelic fraction of 50.3%, a frequency which may be consistent with germline origin. This variant, to our knowledge, has not been reported in the medical literature but has been reported in the ClinVar database as a germline variant of uncertain significance by one submitter (Variation ID: 2689745). It is only observed on 74/1,550,274 alleles in the general population (gnomAD v4.1.1), indicating it is not a common variant. Due to limited information, and based on ACMG/AMP guidelines for variant interpretation (Richards S et al., PMID: 25741868), the clinical significance of this variant is uncertain at this time.

Revvity Omics, Revvity
Classification: Uncertain significance. Last evaluated: 2023-05-18. Review status: criteria provided, single submitter. Criteria: ACMG Guidelines, 2015. Collection method: clinical testing. Allele origin: germline.

NM_001142864.4(PIEZO1):c.3520G>C (p.Val1174Leu)

Gene: PIEZO1 (piezo type mechanosensitive ion channel component 1 (Er blood group); minus strand). Cytogenetic location: 16q24.3.
Variant type: single nucleotide variant.
Coding change: c.3520G>C on transcript NM_001142864.4 (MANE Select); coding-DNA position 3520, G replaced by C.
Protein change: p.Val1174Leu; replaces valine 1174 with leucine.
Molecular consequence: missense variant.
Genome position (GRCh38, 1-based): chr16:88,726,894, C>G on the plus strand (G>C on the coding strand, the complement: PIEZO1 is on the minus strand). VCF-style: chr16-88726894-C-G. GRCh37 (hg19) VCF-style: chr16-88793302-C-G.
Other names: c.2062G>C, p.Val688Leu (NM_014745.1); short protein forms V1174L, V688L.
Identifiers: ClinVar variation 2689745 (VCV002689745.3), dbSNP rs555582997, ClinGen allele CA286413784.